The following is an entry in ClinVar:

NM_006231.4(POLE):c.2192A>G (p.Tyr731Cys)

Gene: POLE (DNA polymerase epsilon, catalytic subunit; minus strand). Cytogenetic location: 12q24.33.
Variant type: single nucleotide variant.
Coding change: c.2192A>G on transcript NM_006231.4 (MANE Select); coding-DNA position 2192, A replaced by G.
Protein change: p.Tyr731Cys; replaces tyrosine 731 with cysteine.
Molecular consequence: missense variant.
Genome position (GRCh38, 1-based): chr12:132,667,630, T>C on the plus strand (A>G on the coding strand, the complement: POLE is on the minus strand). VCF-style: chr12-132667630-T-C. GRCh37 (hg19) VCF-style: chr12-133244216-T-C.
Other names: short protein forms Y731C.
Identifiers: ClinVar variation 1000936 (VCV001000936.11), dbSNP rs2042827010, ClinGen allele CA387352334.

ClinVar aggregate classification (germline): Uncertain significance. Review status: criteria provided, multiple submitters, no conflicts (2 of 4 stars). 2 submissions from 2 submitters: Uncertain significance (2). Last evaluated 2025-05-27.

Conditions:
Hereditary cancer-predisposing syndrome. Also called: Neoplastic Syndromes, Hereditary; Tumor predisposition; Hereditary Cancer Syndrome; Hereditary neoplastic syndrome. Identifiers: Orphanet 140162, MedGen C0027672, MeSH D009386, MONDO:0015356.

Submissions (2):

Labcorp Genetics (formerly Invitae), Labcorp
Classification: Uncertain significance. Last evaluated: 2025-05-27. Review status: criteria provided, single submitter. Criteria: Invitae Variant Classification Sherloc (09022015). Collection method: clinical testing. Allele origin: germline.
Comment: This sequence change replaces tyrosine, which is neutral and polar, with cysteine, which is neutral and slightly polar, at codon 731 of the POLE protein (p.Tyr731Cys). This variant is not present in population databases (gnomAD no frequency). This variant has not been reported in the literature in individuals affected with POLE-related conditions. ClinVar contains an entry for this variant (Variation ID: 1000936). Invitae Evidence Modeling of protein sequence and biophysical properties (such as structural, functional, and spatial information, amino acid conservation, physicochemical variation, residue mobility, and thermodynamic stability) indicates that this missense variant is expected to disrupt POLE protein function with a positive predictive value of 80%. In summary, the available evidence is currently insufficient to determine the role of this variant in disease. Therefore, it has been classified as a Variant of Uncertain Significance.

Ambry Genetics
Classification: Uncertain significance for Hereditary cancer-predisposing syndrome. Last evaluated: 2021-09-17. Review status: criteria provided, single submitter. Criteria: Ambry Variant Classification Scheme 2023. Collection method: clinical testing. Allele origin: germline.
Comment: The p.Y731C variant (also known as c.2192A>G), located in coding exon 20 of the POLE gene, results from an A to G substitution at nucleotide position 2192. The tyrosine at codon 731 is replaced by cysteine, an amino acid with highly dissimilar properties. This amino acid position is conserved. In addition, the in silico prediction for this alteration is inconclusive. Since supporting evidence is limited at this time, the clinical significance of this alteration remains unclear.